The following is an entry in ClinVar:

ClinVar aggregate classification (germline): Uncertain significance. Review status: criteria provided, multiple submitters, no conflicts (2 of 4 stars). 2 submissions from 2 submitters: Uncertain significance (2). Last evaluated 2025-04-11.

Conditions:
Inborn genetic diseases. Identifiers: MedGen C0950123, MeSH D030342.
Cohen syndrome (COH1). Also called: PEPPER SYNDROME; Cutis verticis gyrata, retinitis pigmentosa, and sensorineural deafness. Identifiers: Orphanet 193, MedGen C0265223, MONDO:0008999, OMIM 216550.

Allele frequency attached by ClinVar (database versions not stated): gnomAD exomes below 0.00001.
gnomAD v4.1: 1 of 1,614,150 alleles (0.000062%); highest among the groups gnomAD compares: Non-Finnish European, 0.000085%; no homozygotes.

Submissions (2):

Ambry Genetics
Classification: Uncertain significance for Inborn genetic diseases. Last evaluated: 2025-04-11. Review status: criteria provided, single submitter. Criteria: Ambry Variant Classification Scheme 2023. Collection method: clinical testing. Allele origin: germline.

Labcorp Genetics (formerly Invitae), Labcorp
Classification: Uncertain significance for Cohen syndrome. Last evaluated: 2022-02-08. Review status: criteria provided, single submitter. Criteria: Invitae Variant Classification Sherloc (09022015). Collection method: clinical testing. Allele origin: germline.
Comment: This sequence change replaces alanine, which is neutral and non-polar, with threonine, which is neutral and polar, at codon 4002 of the VPS13B protein (p.Ala4002Thr). This variant is not present in population databases (gnomAD no frequency). This variant has not been reported in the literature in individuals affected with VPS13B-related conditions. Algorithms developed to predict the effect of missense changes on protein structure and function are either unavailable or do not agree on the potential impact of this missense change (SIFT: "Not Available"; PolyPhen-2: "Benign"; Align-GVGD: "Not Available"). In summary, the available evidence is currently insufficient to determine the role of this variant in disease. Therefore, it has been classified as a Variant of Uncertain Significance.

NM_152564.5(VPS13B):c.11929G>A (p.Ala3977Thr)

Gene: VPS13B (vacuolar protein sorting 13 homolog B; plus strand). Cytogenetic location: 8q22.2.
Variant type: single nucleotide variant.
Coding change: c.11929G>A on transcript NM_152564.5 (MANE Select); coding-DNA position 11929, G replaced by A.
Protein change: p.Ala3977Thr; replaces alanine 3977 with threonine.
Molecular consequence: missense variant.
Genome position (GRCh38, 1-based): chr8:99,875,601, G>A. VCF-style: chr8-99875601-G-A. GRCh37 (hg19) VCF-style: chr8-100887829-G-A.
Other names: c.12004G>A, p.Ala4002Thr (NM_017890.5); c.12004G>A (NM_017890.3); short protein forms A3977T, A4002T.
Identifiers: ClinVar variation 1439241 (VCV001439241.6), dbSNP rs2130990784, ClinGen allele CA371796061.